The following is an entry in ClinVar:

NM_003680.4(YARS1):c.1086G>C (p.Glu362Asp)

Gene: YARS1 (tyrosyl-tRNA synthetase 1; minus strand). Cytogenetic location: 1p35.1.
Variant type: single nucleotide variant.
Coding change: c.1086G>C on transcript NM_003680.4 (MANE Select); coding-DNA position 1086, G replaced by C.
Protein change: p.Glu362Asp; replaces glutamic acid 362 with aspartic acid.
Molecular consequence: missense variant.
Genome position (GRCh38, 1-based): chr1:32,781,102, C>G on the plus strand (G>C on the coding strand, the complement: YARS1 is on the minus strand). VCF-style: chr1-32781102-C-G. GRCh37 (hg19) VCF-style: chr1-33246703-C-G.
Other names: short protein forms E362D.
Identifiers: ClinVar variation 2803722 (VCV002803722.3), dbSNP rs1293780457, ClinGen allele CA339682766.

ClinVar aggregate classification (germline): Uncertain significance (1 of 4 stars; one submission).

Conditions:
Charcot-Marie-Tooth disease dominant intermediate C (CMTDIC). Also called: CHARCOT-MARIE-TOOTH NEUROPATHY, DOMINANT INTERMEDIATE C. Identifiers: Orphanet 100045, MedGen C1842237, MONDO:0012012, OMIM 608323.

Allele frequency attached by ClinVar (database versions not stated): gnomAD exomes below 0.00001; TOPMed below 0.00001; gnomAD 0.00001.
gnomAD v4.1: 2 of 1,614,086 alleles (0.00012%); highest among the groups gnomAD compares: Admixed American, 0.0017%; no homozygotes.

Submission:

Labcorp Genetics (formerly Invitae), Labcorp
Classification: Uncertain significance for Charcot-Marie-Tooth disease dominant intermediate C. Last evaluated: 2023-07-06. Review status: criteria provided, single submitter. Criteria: Invitae Variant Classification Sherloc (09022015). Collection method: clinical testing. Allele origin: germline.
Comment: This variant has not been reported in the literature in individuals affected with YARS-related conditions. This variant is present in population databases (no rsID available, gnomAD 0.007%). This sequence change replaces glutamic acid, which is acidic and polar, with aspartic acid, which is acidic and polar, at codon 362 of the YARS protein (p.Glu362Asp). Advanced modeling of protein sequence and biophysical properties (such as structural, functional, and spatial information, amino acid conservation, physicochemical variation, residue mobility, and thermodynamic stability) performed at Invitae indicates that this missense variant is not expected to disrupt YARS protein function. In summary, the available evidence is currently insufficient to determine the role of this variant in disease. Therefore, it has been classified as a Variant of Uncertain Significance.